The following is an entry in ClinVar:

NM_002816.5(PSMD12):c.259A>G (p.Ile87Val)

Gene: PSMD12 (proteasome 26S subunit, non-ATPase 12; minus strand). Cytogenetic location: 17q24.2.
Variant type: single nucleotide variant.
Coding change: c.259A>G on transcript NM_002816.5 (MANE Select); coding-DNA position 259, A replaced by G.
Protein change: p.Ile87Val; replaces isoleucine 87 with valine.
Molecular consequence: missense variant.
Genome position (GRCh38, 1-based): chr17:67,357,341, T>C on the plus strand (A>G on the coding strand, the complement: PSMD12 is on the minus strand). VCF-style: chr17-67357341-T-C. GRCh37 (hg19) VCF-style: chr17-65353457-T-C.
Other names: c.82A>G, p.Ile28Val (NM_001316341.2); c.199A>G, p.Ile67Val (NM_174871.4); short protein forms I28V, I67V, I87V.
Identifiers: ClinVar variation 2500629 (VCV002500629.1), dbSNP rs2509693949, ClinGen allele CA400805737.

ClinVar aggregate classification (germline): Uncertain significance (1 of 4 stars; one submission).

Submission:

GeneDx
Classification: Uncertain significance. Last evaluated: 2022-10-16. Review status: criteria provided, single submitter. Criteria: GeneDx Variant Classification Process June 2021. Collection method: clinical testing. Allele origin: germline. Affected: yes.
Comment: Not observed at significant frequency in large population cohorts (gnomAD); In silico analysis supports that this missense variant does not alter protein structure/function; Has not been previously published as pathogenic or benign to our knowledge